The following is an entry in ClinVar:

NM_001101.5(ACTB):c.755A>G (p.Asn252Ser)

Gene: ACTB (actin beta; minus strand). Cytogenetic location: 7p22.1.
Variant type: single nucleotide variant.
Coding change: c.755A>G on transcript NM_001101.5 (MANE Select); coding-DNA position 755, A replaced by G.
Protein change: p.Asn252Ser; replaces asparagine 252 with serine.
Molecular consequence: missense variant.
Genome position (GRCh38, 1-based): chr7:5,528,328, T>C on the plus strand (A>G on the coding strand, the complement: ACTB is on the minus strand). VCF-style: chr7-5528328-T-C. GRCh37 (hg19) VCF-style: chr7-5567959-T-C.
Other names: short protein forms N252S.
Identifiers: ClinVar variation 3372234 (VCV003372234.1).

ClinVar aggregate classification (germline): Uncertain significance (1 of 4 stars; one submission).

Submission:

GeneDx
Classification: Uncertain significance. Last evaluated: 2024-04-08. Review status: criteria provided, single submitter. Criteria: GeneDx Variant Classification Process June 2021. Collection method: clinical testing. Allele origin: germline. Affected: yes.
Comment: Not observed at significant frequency in large population cohorts (gnomAD); Missense variants in this gene are a common cause of disease and they are underrepresented in the general population; In silico analysis indicates that this missense variant does not alter protein structure/function; Has not been previously published as pathogenic or benign to our knowledge